The following is an entry in ClinVar:

NM_000051.4(ATM):c.4967A>G (p.Lys1656Arg)

Gene: ATM (ATM serine/threonine kinase; plus strand). Cytogenetic location: 11q22.3.
Variant type: single nucleotide variant.
Coding change: c.4967A>G on transcript NM_000051.4 (MANE Select); coding-DNA position 4967, A replaced by G.
Protein change: p.Lys1656Arg; replaces lysine 1656 with arginine.
Molecular consequence: missense variant.
Genome position (GRCh38, 1-based): chr11:108,297,344, A>G. VCF-style: chr11-108297344-A-G. GRCh37 (hg19) VCF-style: chr11-108168071-A-G.
Other names: c.4967A>G, p.Lys1656Arg (NM_001351834.2); short protein forms K1656R.
Identifiers: ClinVar variation 922851 (VCV000922851.12), dbSNP rs2083179153, ClinGen allele CA382538370.
Genomic context (GRCh38, chr11:108,297,344, plus strand): 5'-TAGATAATCCGCAAGATGGGATTATGGTGAAACTAGTTGTCAATTTGTTGCAGTTATCCA[A>G]GATGGCAATAAACCACACTGGTGAAAAAGAAGTTCTAGGTAAACTACAGTCATGCGCTGC-3'
Protein context (NP_000042.3, residues 1646-1666): KLVVNLLQLS[Lys1656Arg]MAINHTGEKE

ClinVar aggregate classification (germline): Uncertain significance. Review status: criteria provided, multiple submitters, no conflicts (2 of 4 stars). 2 submissions from 2 submitters: Uncertain significance (2). Last evaluated 2024-03-06.

Conditions:
Hereditary cancer-predisposing syndrome. Also called: Hereditary Cancer Syndrome; Hereditary neoplastic syndrome; Neoplastic Syndromes, Hereditary; Tumor predisposition. Identifiers: Orphanet 140162, MedGen C0027672, MeSH D009386, MONDO:0015356.
Ataxia-telangiectasia syndrome (AT). Also called: Ataxia-telangiectasia, complementation group E; LOUIS-BAR SYNDROME; Cerebello-oculocutaneous telangiectasia; Immunodeficiency with ataxia telangiectasia; Ataxia-telangiectasia, complementation group D; AT, COMPLEMENTATION GROUP C. Identifiers: Orphanet 100, MedGen C0004135, MONDO:0008840, OMIM 208900.

Allele frequency attached by ClinVar (database versions not stated): gnomAD exomes below 0.00001.
gnomAD v4.1: 2 of 1,614,130 alleles (0.00012%); highest among the groups gnomAD compares: Non-Finnish European, 0.00017%; no homozygotes.

Submissions (2):

Color Diagnostics, LLC DBA Color Health
Classification: Uncertain significance for Hereditary cancer-predisposing syndrome. Last evaluated: 2024-03-06. Review status: criteria provided, single submitter. Criteria: ACMG Guidelines, 2015. Collection method: clinical testing. Allele origin: germline.
Comment: This missense variant replaces lysine with arginine at codon 1656 of the ATM protein. Computational prediction tool suggests that this variant may not impact protein structure and function (internally defined REVEL score threshold <=0.5, PMID: 27666373). Splice site prediction tools suggest that this variant may not impact RNA splicing. To our knowledge, functional studies have not been performed for this variant. This variant has not been reported in individuals affected with hereditary cancer in the literature. This variant has not been identified in the general population by the Genome Aggregation Database (gnomAD). The available evidence is insufficient to determine the role of this variant in disease conclusively. Therefore, this variant is classified as a Variant of Uncertain Significance.

Labcorp Genetics (formerly Invitae), Labcorp
Classification: Uncertain significance for Ataxia-telangiectasia syndrome. Last evaluated: 2021-02-01. Review status: criteria provided, single submitter. Criteria: Invitae Variant Classification Sherloc (09022015). Collection method: clinical testing. Allele origin: germline.
Comment: In summary, the available evidence is currently insufficient to determine the role of this variant in disease. Therefore, it has been classified as a Variant of Uncertain Significance. Advanced modeling of protein sequence and biophysical properties (such as structural, functional, and spatial information, amino acid conservation, physicochemical variation, residue mobility, and thermodynamic stability) performed at Invitae indicates that this missense variant is not expected to disrupt ATM protein function. This variant has not been reported in the literature in individuals with ATM-related conditions. ClinVar contains an entry for this variant (Variation ID: 922851). This variant is not present in population databases (ExAC no frequency). This sequence change replaces lysine with arginine at codon 1656 of the ATM protein (p.Lys1656Arg). The lysine residue is moderately conserved and there is a small physicochemical difference between lysine and arginine.